The following is an entry in ClinVar:

ClinVar aggregate classification (germline): Uncertain significance (1 of 4 stars; one submission).

gnomAD v4.1: 2 of 1,587,896 alleles (0.00013%); highest among the groups gnomAD compares: Non-Finnish European, 0.000085%; no homozygotes.

Submission:

Ambry Genetics
Classification: Uncertain significance. Last evaluated: 2024-11-27. Review status: criteria provided, single submitter. Criteria: Ambry Variant Classification Scheme 2023. Collection method: clinical testing. Allele origin: germline.
Comment: The p.L891F variant (also known as c.2673G>C), located in coding exon 13 of the GEN1 gene, results from a G to C substitution at nucleotide position 2673. The leucine at codon 891 is replaced by phenylalanine, an amino acid with highly similar properties. This amino acid position is conserved. In addition, this alteration is predicted to be tolerated by in silico analysis. Based on the available evidence, the clinical significance of this variant remains unclear.

NM_001130009.3(GEN1):c.2673G>C (p.Leu891Phe)

Gene: GEN1 (GEN1 Holliday junction 5' flap endonuclease; plus strand). Cytogenetic location: 2p24.2.
Variant type: single nucleotide variant.
Coding change: c.2673G>C on transcript NM_001130009.3 (MANE Select); coding-DNA position 2673, G replaced by C.
Protein change: p.Leu891Phe; replaces leucine 891 with phenylalanine.
Molecular consequence: missense variant.
Genome position (GRCh38, 1-based): chr2:17,781,885, G>C. VCF-style: chr2-17781885-G-C. GRCh37 (hg19) VCF-style: chr2-17963152-G-C.
Other names: c.2673G>C, p.Leu891Phe (NM_182625.5); short protein forms L891F.
Identifiers: ClinVar variation 3519752 (VCV003519752.1).